The following is an entry in ClinVar:

ClinVar aggregate classification (germline): Uncertain significance (1 of 4 stars; one submission).

gnomAD v4.1: 1 of 1,614,092 alleles (0.000062%); no homozygotes.

Submission:

Labcorp Genetics (formerly Invitae), Labcorp
Classification: Uncertain significance. Last evaluated: 2024-05-21. Review status: criteria provided, single submitter. Criteria: Invitae Variant Classification Sherloc (09022015). Collection method: clinical testing. Allele origin: germline.
Comment: This sequence change replaces serine, which is neutral and polar, with cysteine, which is neutral and slightly polar, at codon 548 of the NSD1 protein (p.Ser548Cys). This variant is not present in population databases (gnomAD no frequency). This variant has not been reported in the literature in individuals affected with NSD1-related conditions. Advanced modeling of protein sequence and biophysical properties (such as structural, functional, and spatial information, amino acid conservation, physicochemical variation, residue mobility, and thermodynamic stability) has been performed at Invitae for this missense variant, however the output from this modeling did not meet the statistical confidence thresholds required to predict the impact of this variant on NSD1 protein function. In summary, the available evidence is currently insufficient to determine the role of this variant in disease. Therefore, it has been classified as a Variant of Uncertain Significance.

NM_022455.5(NSD1):c.1643C>G (p.Ser548Cys)

Gene: NSD1 (nuclear receptor binding SET domain protein 1; plus strand). Cytogenetic location: 5q35.3.
Variant type: single nucleotide variant.
Coding change: c.1643C>G on transcript NM_022455.5 (MANE Select); coding-DNA position 1643, C replaced by G.
Protein change: p.Ser548Cys; replaces serine 548 with cysteine.
Molecular consequence: missense variant.
Genome position (GRCh38, 1-based): chr5:177,210,042, C>G. VCF-style: chr5-177210042-C-G. GRCh37 (hg19) VCF-style: chr5-176637043-C-G.
Other names: c.770C>G, p.Ser257Cys (NM_001409308.1, NM_001409309.1, NM_172349.5 and 3 more transcripts); c.1643C>G, p.Ser548Cys (NM_001409301.1, NM_001409302.1, NM_001409303.1); c.1223C>G, p.Ser408Cys (NM_001409304.1); c.890C>G, p.Ser297Cys (NM_001409305.1); short protein forms S408C, S548C, S257C, S297C.
Identifiers: ClinVar variation 3709667 (VCV003709667.2).
Genomic context (GRCh38, chr5:177,210,042, plus strand): 5'-AGATTCCAGAGAACCTTGGCCTAAACTTTATCTCTGGGGATATATCTGATACGCAGGCCT[C>G]TAATGAACTTTCCAGGATAGCAAATAGCCTCACAGGGTCCAACACTGCCCCAGGAAGTTT-3'
Protein context (NP_071900.2, residues 538-558): ISGDISDTQA[Ser548Cys]NELSRIANSL